The following is an entry in ClinVar:

ClinVar aggregate classification (germline): Uncertain significance (1 of 4 stars; one submission).

Conditions:
Deficiency of butyryl-CoA dehydrogenase (ACADSD). Also called: SCAD DEFICIENCY, MILD; ACYL-CoA DEHYDROGENASE, SHORT-CHAIN, DEFICIENCY OF; SCADH DEFICIENCY; SCAD Deficiency; ACADS DEFICIENCY; Short-Chain Acyl-CoA Dehydrogenase Deficiency. Identifiers: Orphanet 26792, MedGen C0342783, MONDO:0008722, OMIM 201470. Disease mechanism: May be benign.

Submission:

Labcorp Genetics (formerly Invitae), Labcorp
Classification: Uncertain significance for Deficiency of butyryl-CoA dehydrogenase. Last evaluated: 2021-03-26. Review status: criteria provided, single submitter. Criteria: Invitae Variant Classification Sherloc (09022015). Collection method: clinical testing. Allele origin: germline.
Comment: This variant is a gross deletion of the genomic region encompassing exon(s) 3-10 of the ACADS gene. The 5' boundary is likely confined to intron 2. The 3' end of this event is unknown as it extends through the termination codon beyond the assayed region for this gene and may encompass additional genes. While this deletion is not anticipated to result in nonsense mediated decay, it is expected to create a truncated protein product or disrupt mRNA translation. This variant has not been reported in the literature in individuals with ACADS-related conditions. In summary, the available evidence is currently insufficient to determine the role of this variant in disease. Therefore, it has been classified as a Variant of Uncertain Significance.

NC_000012.11:g.(?_121174769)_(121177271_?)del

Gene: ACADS (acyl-CoA dehydrogenase short chain; plus strand). Cytogenetic location: 12q24.31.
Variant type: Deletion.
Identifiers: ClinVar variation 1035122 (VCV001035122.5).